The following is an entry in ClinVar:

NM_001122681.2(SH3BP2):c.361T>A (p.Trp121Arg)

Gene: SH3BP2 (SH3 domain binding protein 2; plus strand). Cytogenetic location: 4p16.3.
Variant type: single nucleotide variant.
Coding change: c.361T>A on transcript NM_001122681.2 (MANE Select); coding-DNA position 361, T replaced by A.
Protein change: p.Trp121Arg; replaces tryptophan 121 with arginine.
Molecular consequence: missense variant.
Genome position (GRCh38, 1-based): chr4:2,825,129, T>A. VCF-style: chr4-2825129-T-A. GRCh37 (hg19) VCF-style: chr4-2826856-T-A.
Other names: c.445T>A, p.Trp149Arg (NM_001145855.2); c.532T>A, p.Trp178Arg (NM_001145856.2); c.361T>A, p.Trp121Arg (NM_003023.4); short protein forms W149R, W178R, W121R.
Identifiers: ClinVar variation 2000255 (VCV002000255.4), dbSNP rs1343265539, ClinGen allele CA356053939.

ClinVar aggregate classification (germline): Uncertain significance (1 of 4 stars; one submission).

Conditions:
Fibrous dysplasia of jaw (CRBM). Also called: Cherubism. Identifiers: Orphanet 184, MedGen C0008029, MONDO:0007315, OMIM 118400.

gnomAD v4.1: 2 of 1,572,940 alleles (0.00013%); highest among the groups gnomAD compares: Non-Finnish European, 0.00017%; no homozygotes.

Submission:

Labcorp Genetics (formerly Invitae), Labcorp
Classification: Uncertain significance for Fibrous dysplasia of jaw. Last evaluated: 2022-05-29. Review status: criteria provided, single submitter. Criteria: Invitae Variant Classification Sherloc (09022015). Collection method: clinical testing. Allele origin: germline.
Comment: This sequence change replaces tryptophan, which is neutral and slightly polar, with arginine, which is basic and polar, at codon 121 of the SH3BP2 protein (p.Trp121Arg). This variant is present in population databases (no rsID available, gnomAD 0.001%). This variant has not been reported in the literature in individuals affected with SH3BP2-related conditions. Algorithms developed to predict the effect of missense changes on protein structure and function are either unavailable or do not agree on the potential impact of this missense change (SIFT: "Deleterious"; PolyPhen-2: "Probably Damaging"; Align-GVGD: "Class C0"). Algorithms developed to predict the effect of sequence changes on RNA splicing suggest that this variant may create or strengthen a splice site. In summary, the available evidence is currently insufficient to determine the role of this variant in disease. Therefore, it has been classified as a Variant of Uncertain Significance.